The following is an entry in ClinVar:

NM_001358664.2(GSTT4):c.492A>C (p.Ser164=)

Gene: GSTT4 (glutathione S-transferase theta 4; minus strand). Cytogenetic location: 22q11.23.
Variant type: single nucleotide variant.
Coding change: c.492A>C on transcript NM_001358664.2 (MANE Select); coding-DNA position 492, A replaced by C.
Protein change: p.Ser164=; no amino-acid change (serine 164 retained).
Molecular consequence: synonymous variant. On other transcripts: non-coding transcript variant (1).
Genome position (GRCh38, 1-based): chr22:24,000,111, T>G on the plus strand (A>C on the coding strand, the complement: GSTT4 is on the minus strand). VCF-style: chr22-24000111-T-G. GRCh37 (hg19) VCF-style: chr22-24342305-T-G.
Identifiers: ClinVar variation 3771092 (VCV003771092.13).

ClinVar aggregate classification (germline): Likely benign (1 of 4 stars; one submission).

Submission:

CeGaT Center for Human Genetics Tuebingen
Classification: Likely benign. Last evaluated: 2025-02-01. Review status: criteria provided, single submitter. Criteria: CeGaT Center For Human Genetics Tuebingen Variant Classification Criteria Version 2. Collection method: clinical testing. Allele origin: germline. Affected: yes. Observed: 1 variant allele.
Comment: GSTT4: BP4, BP7